The following is an entry in ClinVar:

NM_199420.4(POLQ):c.151G>T (p.Ala51Ser)

Genes: POLQ (DNA polymerase theta; minus strand), LOC112872292 (Sharpr-MPRA regulatory region 30; plus strand). Cytogenetic location: 3q13.33.
Variant type: single nucleotide variant.
Coding change: c.151G>T on transcript NM_199420.4 (MANE Select); coding-DNA position 151, G replaced by T.
Protein change: p.Ala51Ser; replaces alanine 51 with serine.
Molecular consequence: missense variant.
Genome position (GRCh38, 1-based): chr3:121,545,727, C>A on the plus strand (G>T on the coding strand, the complement: POLQ is on the minus strand). VCF-style: chr3-121545727-C-A. GRCh37 (hg19) VCF-style: chr3-121264574-C-A.
Other names: short protein forms A51S.
Identifiers: ClinVar variation 1774402 (VCV001774402.2), dbSNP rs2048528465, ClinGen allele CA354096822.

ClinVar aggregate classification (germline): Uncertain significance (1 of 4 stars; one submission).

gnomAD v4.1: 2 of 1,569,786 alleles (0.00013%); highest among the groups gnomAD compares: East Asian, 0.0023%; no homozygotes.

Submission:

Ambry Genetics
Classification: Uncertain significance. Last evaluated: 2023-12-18. Review status: criteria provided, single submitter. Criteria: Ambry Variant Classification Scheme 2023. Collection method: clinical testing. Allele origin: germline.
Comment: The p.A51S variant (also known as c.151G>T), located in coding exon 1 of the POLQ gene, results from a G to T substitution at nucleotide position 151. The alanine at codon 51 is replaced by serine, an amino acid with similar properties. This amino acid position is conserved. In addition, this alteration is predicted to be tolerated by in silico analysis. Since supporting evidence is limited at this time, the clinical significance of this alteration remains unclear.